The following is an entry in ClinVar:

ClinVar aggregate classification (germline): Uncertain significance (1 of 4 stars; one submission).

gnomAD v4.1: 1 of 1,547,046 alleles (0.000065%); highest among the groups gnomAD compares: Non-Finnish European, 0.000087%; no homozygotes.

Submission:

Labcorp Genetics (formerly Invitae), Labcorp
Classification: Uncertain significance. Last evaluated: 2025-01-12. Review status: criteria provided, single submitter. Criteria: Invitae Variant Classification Sherloc (09022015). Collection method: clinical testing. Allele origin: germline.
Comment: This sequence change replaces leucine, which is neutral and non-polar, with isoleucine, which is neutral and non-polar, at codon 5 of the FH protein (p.Leu5Ile). This variant is not present in population databases (gnomAD no frequency). This variant has not been reported in the literature in individuals affected with FH-related conditions. Invitae Evidence Modeling of protein sequence and biophysical properties (such as structural, functional, and spatial information, amino acid conservation, physicochemical variation, residue mobility, and thermodynamic stability) indicates that this missense variant is not expected to disrupt FH protein function with a negative predictive value of 95%. In summary, the available evidence is currently insufficient to determine the role of this variant in disease. Therefore, it has been classified as a Variant of Uncertain Significance.

NM_000143.4(FH):c.13C>A (p.Leu5Ile)

Gene: FH (fumarate hydratase; minus strand). Cytogenetic location: 1q43.
Variant type: single nucleotide variant.
Coding change: c.13C>A on transcript NM_000143.4 (MANE Select); coding-DNA position 13, C replaced by A.
Protein change: p.Leu5Ile; replaces leucine 5 with isoleucine.
Molecular consequence: missense variant.
Genome position (GRCh38, 1-based): chr1:241,519,710, G>T on the plus strand (C>A on the coding strand, the complement: FH is on the minus strand). VCF-style: chr1-241519710-G-T. GRCh37 (hg19) VCF-style: chr1-241683010-G-T.
Other names: short protein forms L5I.
Identifiers: ClinVar variation 3633855 (VCV003633855.2).